The following is an entry in ClinVar:

ClinVar aggregate classification (germline): Uncertain significance (1 of 4 stars; one submission).

Conditions:
Catecholaminergic polymorphic ventricular tachycardia 1. Also called: VENTRICULAR TACHYCARDIA, STRESS-INDUCED POLYMORPHIC 1; VENTRICULAR TACHYCARDIA, CATECHOLAMINERGIC POLYMORPHIC, 1, WITH OR WITHOUT ATRIAL DYSFUNCTION AND/OR DILATED CARDIOMYOPATHY; RYR2-Related Catecholaminergic Polymorphic Ventricular Tachycardia. Identifiers: Orphanet 3286, MedGen C1631597, MONDO:0011484, OMIM 604772.

Allele frequency attached by ClinVar (database versions not stated): gnomAD exomes below 0.00001; TOPMed below 0.00001.
gnomAD v4.1: 1 of 1,605,754 alleles (0.000062%); highest among the groups gnomAD compares: Admixed American, 0.0017%; no homozygotes.

Submission:

Labcorp Genetics (formerly Invitae), Labcorp
Classification: Uncertain significance for Catecholaminergic polymorphic ventricular tachycardia 1. Last evaluated: 2022-05-25. Review status: criteria provided, single submitter. Criteria: Invitae Variant Classification Sherloc (09022015). Collection method: clinical testing. Allele origin: germline.
Comment: In summary, the available evidence is currently insufficient to determine the role of this variant in disease. Therefore, it has been classified as a Variant of Uncertain Significance. Algorithms developed to predict the effect of missense changes on protein structure and function output the following: SIFT: "Tolerated"; PolyPhen-2: "Possibly Damaging"; Align-GVGD: "Class C0". The glutamic acid amino acid residue is found in multiple mammalian species, which suggests that this missense change does not adversely affect protein function. This variant has not been reported in the literature in individuals affected with TRDN-related conditions. The frequency data for this variant in the population databases is considered unreliable, as metrics indicate poor data quality at this position in the gnomAD database. This sequence change replaces glycine, which is neutral and non-polar, with glutamic acid, which is acidic and polar, at codon 353 of the TRDN protein (p.Gly353Glu).

NM_006073.4(TRDN):c.1058G>A (p.Gly353Glu)

Gene: TRDN (triadin; minus strand). Cytogenetic location: 6q22.31.
Variant type: single nucleotide variant.
Coding change: c.1058G>A on transcript NM_006073.4 (MANE Select); coding-DNA position 1058, G replaced by A.
Protein change: p.Gly353Glu; replaces glycine 353 with glutamic acid.
Molecular consequence: missense variant.
Genome position (GRCh38, 1-based): chr6:123,393,671, C>T on the plus strand (G>A on the coding strand, the complement: TRDN is on the minus strand). VCF-style: chr6-123393671-C-T. GRCh37 (hg19) VCF-style: chr6-123714816-C-T.
Other names: c.1061G>A, p.Gly354Glu (NM_001251987.2); short protein forms G353E, G354E.
Identifiers: ClinVar variation 1525732 (VCV001525732.9), dbSNP rs1230466120, ClinGen allele CA365567207.
Genomic context (GRCh38, chr6:123,393,671, plus strand): 5'-TTTTATTGCTTACCTTGTGCTGCAATTTTTACAGTCCCTTGTTTGGTTTCAGAAGCTTTT[C>T]CCGGCTCTTGGAATGAAAAAAACATAAATTACCATGAAGTATGATTTTGGAAAAATATAT-3'
Protein context (NP_006064.2, residues 343-363): TAIDVEKKEP[Gly353Glu]KASETKQGTV